The following is an entry in ClinVar:

NM_003482.4(KMT2D):c.3691G>C (p.Asp1231His)

Genes: KMT2D (lysine methyltransferase 2D; minus strand), LOC126861520 (CDK7 strongly-dependent group 2 enhancer GRCh37_chr12:49442744-49443943; plus strand). Cytogenetic location: 12q13.12.
Variant type: single nucleotide variant.
Coding change: c.3691G>C on transcript NM_003482.4 (MANE Select); coding-DNA position 3691, G replaced by C.
Protein change: p.Asp1231His; replaces aspartic acid 1231 with histidine.
Molecular consequence: missense variant.
Genome position (GRCh38, 1-based): chr12:49,049,897, C>G on the plus strand (G>C on the coding strand, the complement: KMT2D is on the minus strand). VCF-style: chr12-49049897-C-G. GRCh37 (hg19) VCF-style: chr12-49443680-C-G.
Other names: short protein forms D1231H.
Identifiers: ClinVar variation 4681981 (VCV004681981.5).
Genomic context (GRCh38, chr12:49,049,897, plus strand): 5'-CTGGACTAACATCCGTAGAGACCCCCAACTCCATGGACAGGGAGCCACCCCCCTCCGGGT[C>G]TGGAGAGCCCAGGAGGGGCTCTGAGCCAGGAAAACTGGCACTGGCATCACCCTGGCTCAG-3'
Protein context (NP_003473.3, residues 1221-1241): PGSEPLLGSP[Asp1231His]PEGGGSLSME

ClinVar aggregate classification (germline): Uncertain significance (1 of 4 stars; one submission).

Submission:

CeGaT Center for Human Genetics Tuebingen
Classification: Uncertain significance. Last evaluated: 2025-12-01. Review status: criteria provided, single submitter. Criteria: CeGaT Center For Human Genetics Tuebingen Variant Classification Criteria Version 2. Collection method: clinical testing. Allele origin: germline. Affected: yes. Observed: 1 variant allele.
Comment: KMT2D: PM2